The following is an entry in ClinVar:

NM_015932.6(POMP):c.219A>G (p.Leu73=)

Gene: POMP (proteasome maturation protein; plus strand). Cytogenetic location: 13q12.3.
Variant type: single nucleotide variant.
Coding change: c.219A>G on transcript NM_015932.6 (MANE Select); coding-DNA position 219, A replaced by G.
Protein change: p.Leu73=; no amino-acid change (leucine 73 retained).
Molecular consequence: synonymous variant.
Genome position (GRCh38, 1-based): chr13:28,668,529, A>G. VCF-style: chr13-28668529-A-G. GRCh37 (hg19) VCF-style: chr13-29242666-A-G.
Other names: c.219A>G (NM_015932.5).
Identifiers: ClinVar variation 1938473 (VCV001938473.7), dbSNP rs560145213, ClinGen allele CA6931055.
Genomic context (GRCh38, chr13:28,668,529, plus strand): 5'-GTAGTTCCAGCTCAACCAAGATAAAATGAATTTTTCCACACTGAGAAACATTCAGGGTCT[A>G]TTTGCTCCGCTAAAATTACAGATGGAATTCAAGGCAGTGCAGCAGGTGAGTTGATGGATC-3'
Protein context (NP_057016.1, residues 63-83): NFSTLRNIQG[Leu73=]FAPLKLQMEF

ClinVar aggregate classification (germline): Likely benign. Review status: criteria provided, single submitter (1 of 4 stars). 2 submissions from 2 submitters: Likely benign (1). 1 of the submissions does not count toward it. Last evaluated 2025-06-09.

Conditions:
POMP-related disorder. Also called: POMP-related condition.

Allele frequency attached by ClinVar (database versions not stated): ExAC 0.00001; gnomAD 0.00005; 1000 Genomes Project 0.00020; 1000 Genomes Project 30x 0.00031.
gnomAD v4.1: 7 of 1,613,202 alleles (0.00043%); highest among the groups gnomAD compares: African/African-American, 0.008%; no homozygotes.

Submissions (2):

Labcorp Genetics (formerly Invitae), Labcorp
Classification: Likely benign. Last evaluated: 2025-06-09. Review status: criteria provided, single submitter. Criteria: Invitae Variant Classification Sherloc (09022015). Collection method: clinical testing. Allele origin: germline.

PreventionGenetics, part of Exact Sciences
Classification: Likely benign for POMP-related condition. Last evaluated: 2019-04-11. Review status: no assertion criteria provided. Collection method: clinical testing. Allele origin: germline. Not counted in ClinVar's aggregate classification.
Comment: This variant is classified as likely benign based on ACMG/AMP sequence variant interpretation guidelines (Richards et al. 2015 PMID: 25741868, with internal and published modifications).